The following is an entry in ClinVar:

ClinVar aggregate classification (germline): Likely benign (1 of 4 stars; one submission).

Submission:

CeGaT Center for Human Genetics Tuebingen
Classification: Likely benign. Last evaluated: 2026-05-01. Review status: criteria provided, single submitter. Criteria: CeGaT Center For Human Genetics Tuebingen Variant Classification Criteria Version 2. Collection method: clinical testing. Allele origin: germline. Affected: yes. Observed: 1 variant allele.
Comment: SLC6A8: PM2:Supporting, BP4, BP7

NM_005629.4(SLC6A8):c.663G>C (p.Leu221=)

Gene: SLC6A8 (solute carrier family 6 member 8; plus strand). Cytogenetic location: Xq28.
Variant type: single nucleotide variant.
Coding change: c.663G>C on transcript NM_005629.4 (MANE Select); coding-DNA position 663, G replaced by C.
Protein change: p.Leu221=; no amino-acid change (leucine 221 retained).
Molecular consequence: synonymous variant.
Genome position (GRCh38, 1-based): chrX:153,691,993, G>C. VCF-style: chrX-153691993-G-C. GRCh37 (hg19) VCF-style: chrX-152957448-G-C.
Other names: c.663G>C, p.Leu221= (NM_001142805.2); c.318G>C, p.Leu106= (NM_001142806.1).
Identifiers: ClinVar variation 4873864 (VCV004873864.2).